The following is an entry in ClinVar:

ClinVar aggregate classification (germline): Benign. Review status: criteria provided, multiple submitters, no conflicts (2 of 4 stars). 2 submissions from 2 submitters: Benign (2). Last evaluated 2018-06-19.

Allele frequency attached by ClinVar (database versions not stated): gnomAD 0.17080 and 0.17110; 1000 Genomes Project 30x 0.17192; 1000 Genomes Project 0.17212.
gnomAD v4.1: 25,138 of 147,248 alleles (17%); highest among the groups gnomAD compares: South Asian, 24%; 2,140 homozygotes.

Submissions (2):

GeneDx
Classification: Benign. Last evaluated: 2018-06-19. Review status: criteria provided, single submitter. Criteria: GeneDx Variant Classification (06012015). Collection method: clinical testing. Allele origin: germline. Affected: yes.
Comment: This variant is considered likely benign or benign based on one or more of the following criteria: it is a conservative change, it occurs at a poorly conserved position in the protein, it is predicted to be benign by multiple in silico algorithms, and/or has population frequency not consistent with disease.

Breakthrough Genomics
Classification: Benign. Review status: criteria provided, single submitter. Criteria: ACMG Guidelines, 2015. Collection method: not provided. Allele origin: germline. Inheritance: Autosomal recessive inheritance. Affected: yes.

NM_139343.3(BIN1):c.165+239G>A

Gene: BIN1 (bridging integrator 1; minus strand). Cytogenetic location: 2q14.3.
Variant type: single nucleotide variant.
Coding change: c.165+239G>A on transcript NM_139343.3 (MANE Select); 239 bases into the intron after coding-DNA position 165, G replaced by A.
Molecular consequence: intron variant.
Genome position (GRCh38, 1-based): chr2:127,076,387, C>T on the plus strand (G>A on the coding strand, the complement: BIN1 is on the minus strand). VCF-style: chr2-127076387-C-T. GRCh37 (hg19) VCF-style: chr2-127833963-C-T.
Other names: c.84+239G>A (NM_001320642.1); c.93+239G>A (NM_001320634.1); c.165+239G>A (NM_139351.3, NM_139350.3, NM_139349.3 and 10 more transcripts).
Identifiers: ClinVar variation 678127 (VCV000678127.2), dbSNP rs2276576, ClinGen allele CA11082074.